The following is an entry in ClinVar:

ClinVar aggregate classification (germline): Uncertain significance. Review status: criteria provided, multiple submitters, no conflicts (2 of 4 stars). 2 submissions from 2 submitters: Uncertain significance (2). Last evaluated 2025-10-02.

Conditions:
Congenital muscular hypertrophy-cerebral syndrome (CDLS2). Also called: Cornelia de Lange syndrome 2; SMC1A-Related Cornelia de Lange Syndrome. Identifiers: Orphanet 199, MedGen C1802395, MONDO:0010370, OMIM 300590.

Submissions (2):

GeneDx
Classification: Uncertain significance. Last evaluated: 2025-10-02. Review status: criteria provided, single submitter. Criteria: GeneDx Variant Classification Process June 2021. Collection method: clinical testing. Allele origin: germline. Affected: yes.
Comment: Not observed at significant frequency in large population cohorts (gnomAD); Missense variants in this gene are a common cause of disease and they are underrepresented in the general population; In silico analysis suggests that this missense variant does not alter protein structure/function; Has not been previously published as pathogenic or benign to our knowledge

Labcorp Genetics (formerly Invitae), Labcorp
Classification: Uncertain significance for Congenital muscular hypertrophy-cerebral syndrome. Last evaluated: 2024-07-30. Review status: criteria provided, single submitter. Criteria: Invitae Variant Classification Sherloc (09022015). Collection method: clinical testing. Allele origin: germline.
Comment: This sequence change replaces threonine, which is neutral and polar, with isoleucine, which is neutral and non-polar, at codon 724 of the SMC1A protein (p.Thr724Ile). This variant is not present in population databases (gnomAD no frequency). This variant has not been reported in the literature in individuals affected with SMC1A-related conditions. Advanced modeling of protein sequence and biophysical properties (such as structural, functional, and spatial information, amino acid conservation, physicochemical variation, residue mobility, and thermodynamic stability) performed at Invitae indicates that this missense variant is not expected to disrupt SMC1A protein function with a negative predictive value of 80%. In summary, the available evidence is currently insufficient to determine the role of this variant in disease. Therefore, it has been classified as a Variant of Uncertain Significance.

NM_006306.4(SMC1A):c.2171C>T (p.Thr724Ile)

Gene: SMC1A (structural maintenance of chromosomes 1A; minus strand). Cytogenetic location: Xp11.22.
Variant type: single nucleotide variant.
Coding change: c.2171C>T on transcript NM_006306.4 (MANE Select); coding-DNA position 2171, C replaced by T.
Protein change: p.Thr724Ile; replaces threonine 724 with isoleucine.
Molecular consequence: missense variant.
Genome position (GRCh38, 1-based): chrX:53,405,037, G>A on the plus strand (C>T on the coding strand, the complement: SMC1A is on the minus strand). VCF-style: chrX-53405037-G-A. GRCh37 (hg19) VCF-style: chrX-53431969-G-A.
Other names: c.2171C>T (NM_006306.2); c.2105C>T, p.Thr702Ile (NM_001281463.1); short protein forms T702I, T724I.
Identifiers: ClinVar variation 2791957 (VCV002791957.5), dbSNP rs2520926054, ClinGen allele CA413251623.